The following is an entry in ClinVar:

ClinVar aggregate classification (germline): Uncertain significance (1 of 4 stars; one submission).

Conditions:
Dyskeratosis congenita. Identifiers: Orphanet 1775, MedGen C0265965, MONDO:0015780.

Submission:

Ambry Genetics
Classification: Uncertain significance for Dyskeratosis congenita. Last evaluated: 2024-02-28. Review status: criteria provided, single submitter. Criteria: Ambry Variant Classification Scheme 2023. Collection method: clinical testing. Allele origin: germline.
Comment: The p.R83L variant (also known as c.248G>T), located in coding exon 2 of the TERT gene, results from a G to T substitution at nucleotide position 248. The arginine at codon 83 is replaced by leucine, an amino acid with dissimilar properties. This amino acid position is conserved. In addition, this alteration is predicted to be deleterious by in silico analysis. Based on the available evidence, the clinical significance of this alteration remains unclear.

NM_198253.3(TERT):c.248G>T (p.Arg83Leu)

Genes: TERT (telomerase reverse transcriptase; minus strand), LOC110806263 (TERT 5' regulatory region; plus strand). Cytogenetic location: 5p15.33.
Variant type: single nucleotide variant.
Coding change: c.248G>T on transcript NM_198253.3 (MANE Select); coding-DNA position 248, G replaced by T.
Protein change: p.Arg83Leu; replaces arginine 83 with leucine.
Molecular consequence: missense variant. On other transcripts: non-coding transcript variant (2).
Genome position (GRCh38, 1-based): chr5:1,294,638, C>A on the plus strand (G>T on the coding strand, the complement: TERT is on the minus strand). VCF-style: chr5-1294638-C-A. GRCh37 (hg19) VCF-style: chr5-1294753-C-A.
Other names: c.248G>T, p.Arg83Leu (NM_001193376.3, NM_003219.1); short protein forms R83L.
Identifiers: ClinVar variation 3238564 (VCV003238564.1), dbSNP rs2478430627.